The following is an entry in ClinVar:

ClinVar aggregate classification (germline): Uncertain significance. Review status: criteria provided, multiple submitters, no conflicts (2 of 4 stars). 2 submissions from 2 submitters: Uncertain significance (2). Last evaluated 2024-03-07.

Conditions:
Inborn genetic diseases. Identifiers: MedGen C0950123, MeSH D030342.
Myofibromatosis, infantile, 2. Identifiers: Orphanet 2591, MedGen C3809084, MONDO:0014122, OMIM 615293.

Allele frequency attached by ClinVar (database versions not stated): gnomAD exomes below 0.00001; gnomAD 0.00001; TOPMed 0.00001.
gnomAD v4.1: 5 of 1,592,860 alleles (0.00031%); highest among the groups gnomAD compares: Non-Finnish European, 0.00043%; no homozygotes.

Submissions (2):

Ambry Genetics
Classification: Uncertain significance for Inborn genetic diseases. Last evaluated: 2024-03-07. Review status: criteria provided, single submitter. Criteria: Ambry Variant Classification Scheme 2023. Collection method: clinical testing. Allele origin: germline.

Baylor Genetics
Classification: Uncertain significance for Myofibromatosis, infantile, 2. Last evaluated: 2018-03-20. Review status: criteria provided, single submitter. Criteria: ACMG Guidelines, 2015. Collection method: clinical testing. Allele origin: paternal. Affected: yes.
Comment: This variant was determined to be of uncertain significance according to ACMG Guidelines, 2015 [PMID:25741868].

NM_000435.3(NOTCH3):c.214G>A (p.Val72Met)

Gene: NOTCH3 (notch receptor 3; minus strand). Cytogenetic location: 19p13.12.
Variant type: single nucleotide variant.
Coding change: c.214G>A on transcript NM_000435.3 (MANE Select); coding-DNA position 214, G replaced by A.
Protein change: p.Val72Met; replaces valine 72 with methionine.
Molecular consequence: missense variant.
Genome position (GRCh38, 1-based): chr19:15,192,503, C>T on the plus strand (G>A on the coding strand, the complement: NOTCH3 is on the minus strand). VCF-style: chr19-15192503-C-T. GRCh37 (hg19) VCF-style: chr19-15303314-C-T.
Other names: short protein forms V72M.
Identifiers: ClinVar variation 1032358 (VCV001032358.2), dbSNP rs2046938247, ClinGen allele CA404535180.